The following is an entry in ClinVar:

NM_017636.4(TRPM4):c.2725A>G (p.Ile909Val)

Gene: TRPM4 (transient receptor potential cation channel subfamily M member 4; plus strand). Cytogenetic location: 19q13.33.
Variant type: single nucleotide variant.
Coding change: c.2725A>G on transcript NM_017636.4 (MANE Select); coding-DNA position 2725, A replaced by G.
Protein change: p.Ile909Val; replaces isoleucine 909 with valine.
Molecular consequence: missense variant.
Genome position (GRCh38, 1-based): chr19:49,200,379, A>G. VCF-style: chr19-49200379-A-G. GRCh37 (hg19) VCF-style: chr19-49703636-A-G.
Other names: c.2290A>G, p.Ile764Val (NM_001195227.2); c.2380A>G, p.Ile794Val (NM_001321281.2); c.1117A>G, p.Ile373Val (NM_001321282.2); c.2203A>G, p.Ile735Val (NM_001321283.2); c.1663A>G, p.Ile555Val (NM_001321285.2); short protein forms I794V, I909V, I555V, I735V, I764V, I373V.
Identifiers: ClinVar variation 955989 (VCV000955989.9), dbSNP rs1968869305, ClinGen allele CA406810403.

ClinVar aggregate classification (germline): Uncertain significance (1 of 4 stars; one submission).

Conditions:
Progressive familial heart block type IB (PFHB1B). Identifiers: Orphanet 871, MedGen C1970298, MONDO:0011474, OMIM 604559.

Submission:

Labcorp Genetics (formerly Invitae), Labcorp
Classification: Uncertain significance for Progressive familial heart block type IB. Last evaluated: 2019-11-10. Review status: criteria provided, single submitter. Criteria: Invitae Variant Classification Sherloc (09022015). Collection method: clinical testing. Allele origin: germline.
Comment: This sequence change replaces isoleucine with valine at codon 909 of the TRPM4 protein (p.Ile909Val). The isoleucine residue is highly conserved and there is a small physicochemical difference between isoleucine and valine. This variant is not present in population databases (ExAC no frequency). This variant has not been reported in the literature in individuals with TRPM4-related conditions. Algorithms developed to predict the effect of missense changes on protein structure and function are either unavailable or do not agree on the potential impact of this missense change (SIFT: "Tolerated"; PolyPhen-2: "Possibly Damaging"; Align-GVGD: "Class C0"). In summary, the available evidence is currently insufficient to determine the role of this variant in disease. Therefore, it has been classified as a Variant of Uncertain Significance.